The following is an entry in ClinVar:

NM_014363.6(SACS):c.5304_5306del (p.His1769del)

Gene: SACS (sacsin molecular chaperone; minus strand). Cytogenetic location: 13q12.12.
Variant type: Deletion.
Coding change: c.5304_5306del on transcript NM_014363.6 (MANE Select); coding-DNA positions 5304 to 5306, 3 bases deleted (CCA; older notation c.5304_5306delCCA).
Protein change: p.His1769del; deletes histidine 1769.
Molecular consequence: inframe deletion.
Genome position (GRCh38, 1-based): chr13:23,338,570-23,338,572, TGG deleted on the plus strand (CCA on the coding strand, the reverse complement: SACS is on the minus strand); deleting any 3 consecutive bases within chr13:23,338,570-23,338,574 gives the same sequence; the c. name uses the placement nearest the transcript's 3' end. VCF-style (leftmost placement, unchanged base first): chr13-23338569-ATGG-A. GRCh37 (hg19) VCF-style: chr13-23912708-ATGG-A.
Other names: c.4863_4865del, p.His1622del (NM_001278055.2); c.5304_5306delCCA (NM_014363.4); c.5304_5306del (NM_014363.4); short protein forms H1769del, H1622del.
Identifiers: ClinVar variation 554128 (VCV000554128.28), dbSNP rs1555252136, ClinGen allele CA658823450.

ClinVar aggregate classification (germline): Uncertain significance. Review status: criteria provided, multiple submitters, no conflicts (2 of 4 stars). 4 submissions from 4 submitters: Uncertain significance (3). 1 of the submissions does not count toward it. Last evaluated 2025-08-15.

Conditions:
Spastic paraplegia. Identifiers: MedGen C0037772, HP:0001258.
Charlevoix-Saguenay spastic ataxia (SACS). Also called: AUTOSOMAL RECESSIVE SPASTIC ATAXIA OF CHARLEVOIX-SAGUENAY; Spastic ataxia of Charlevoix-Saguenay; SPASTIC ATAXIA 6, AUTOSOMAL RECESSIVE. Identifiers: Orphanet 98, MedGen C1849140, MONDO:0010041, OMIM 270550.

Submissions (4):

Labcorp Genetics (formerly Invitae), Labcorp
Classification: Uncertain significance for Spastic paraplegia. Last evaluated: 2025-08-15. Review status: criteria provided, single submitter. Criteria: Invitae Variant Classification Sherloc (09022015). Collection method: clinical testing. Allele origin: germline.
Comment: This variant, c.5304_5306del, results in the deletion of 1 amino acid(s) of the SACS protein (p.His1769del), but otherwise preserves the integrity of the reading frame. This variant is not present in population databases (gnomAD no frequency). This variant has not been reported in the literature in individuals affected with SACS-related conditions. ClinVar contains an entry for this variant (Variation ID: 554128). Experimental studies and prediction algorithms are not available or were not evaluated, and the functional significance of this variant is currently unknown. In summary, the available evidence is currently insufficient to determine the role of this variant in disease. Therefore, it has been classified as a Variant of Uncertain Significance.

CeGaT Center for Human Genetics Tuebingen
Classification: Uncertain significance. Last evaluated: 2023-12-01. Review status: criteria provided, single submitter. Criteria: CeGaT Center For Human Genetics Tuebingen Variant Classification Criteria Version 2. Collection method: clinical testing. Allele origin: germline. Affected: yes. Observed: 1 variant allele.
Comment: SACS: PM2, PM4:Supporting

GeneDx
Classification: Uncertain significance. Last evaluated: 2023-05-23. Review status: criteria provided, single submitter. Criteria: GeneDx Variant Classification Process June 2021. Collection method: clinical testing. Allele origin: germline. Affected: yes.
Comment: Not observed at significant frequency in large population cohorts (gnomAD); In-frame deletion of 1 amino acid in a non-repeat region; In silico analysis supports a deleterious effect on protein structure/function; Has not been previously published as pathogenic or benign to our knowledge

Counsyl
Classification: Uncertain significance for Charlevoix-Saguenay spastic ataxia. Last evaluated: 2017-09-27. Review status: no assertion criteria provided. Collection method: clinical testing. Allele origin: unknown. Not counted in ClinVar's aggregate classification.